The following is an entry in ClinVar:

ClinVar aggregate classification (germline): Uncertain significance (1 of 4 stars; one submission).

Conditions:
Inborn genetic diseases. Identifiers: MedGen C0950123, MeSH D030342.

Submission:

Ambry Genetics
Classification: Uncertain significance for Inborn genetic diseases. Last evaluated: 2025-03-30. Review status: criteria provided, single submitter. Criteria: Ambry Variant Classification Scheme 2023. Collection method: clinical testing. Allele origin: germline.
Comment: The p.P192S variant (also known as c.574C>T), located in coding exon 5 of the ETV6 gene, results from a C to T substitution at nucleotide position 574. The proline at codon 192 is replaced by serine, an amino acid with similar properties. This amino acid position is conserved. In addition, this alteration is predicted to be tolerated by in silico analysis. Based on the available evidence, the clinical significance of this variant remains unclear.

NM_001987.5(ETV6):c.574C>T (p.Pro192Ser)

Gene: ETV6 (ETS variant transcription factor 6; plus strand). Cytogenetic location: 12p13.2.
Variant type: single nucleotide variant.
Coding change: c.574C>T on transcript NM_001987.5 (MANE Select); coding-DNA position 574, C replaced by T.
Protein change: p.Pro192Ser; replaces proline 192 with serine.
Molecular consequence: missense variant.
Genome position (GRCh38, 1-based): chr12:11,869,534, C>T. VCF-style: chr12-11869534-C-T. GRCh37 (hg19) VCF-style: chr12-12022468-C-T.
Other names: c.571C>T, p.Pro191Ser (NM_001413913.1); c.547C>T, p.Pro183Ser (NM_001413914.1); c.310C>T, p.Pro104Ser (NM_001413915.1); c.574C>T, p.Pro192Ser (NM_001413916.1, NM_001413917.1); short protein forms P183S, P104S, P191S, P192S.
Identifiers: ClinVar variation 4020029 (VCV004020029.1).